The following is an entry in ClinVar:

NM_006231.4(POLE):c.5995A>T (p.Ile1999Phe)

Gene: POLE (DNA polymerase epsilon, catalytic subunit; minus strand). Cytogenetic location: 12q24.33.
Variant type: single nucleotide variant.
Coding change: c.5995A>T on transcript NM_006231.4 (MANE Select); coding-DNA position 5995, A replaced by T.
Protein change: p.Ile1999Phe; replaces isoleucine 1999 with phenylalanine.
Molecular consequence: missense variant.
Genome position (GRCh38, 1-based): chr12:132,634,195, T>A on the plus strand (A>T on the coding strand, the complement: POLE is on the minus strand). VCF-style: chr12-132634195-T-A. GRCh37 (hg19) VCF-style: chr12-133210781-T-A.
Other names: short protein forms I1999F.
Identifiers: ClinVar variation 1750919 (VCV001750919.2), dbSNP rs2041988946, ClinGen allele CA387371414.

ClinVar aggregate classification (germline): Uncertain significance (1 of 4 stars; one submission).

Conditions:
Hereditary cancer-predisposing syndrome. Also called: Hereditary Cancer Syndrome; Hereditary neoplastic syndrome; Neoplastic Syndromes, Hereditary; Tumor predisposition. Identifiers: Orphanet 140162, MedGen C0027672, MeSH D009386, MONDO:0015356.

Allele frequency attached by ClinVar (database versions not stated): gnomAD exomes below 0.00001.
gnomAD v4.1: 3 of 1,612,014 alleles (0.00019%); highest among the groups gnomAD compares: Non-Finnish European, 0.00025%; no homozygotes.

Submission:

Ambry Genetics
Classification: Uncertain significance for Hereditary cancer-predisposing syndrome. Last evaluated: 2021-12-11. Review status: criteria provided, single submitter. Criteria: Ambry Variant Classification Scheme 2023. Collection method: clinical testing. Allele origin: germline.
Comment: The p.I1999F variant (also known as c.5995A>T), located in coding exon 43 of the POLE gene, results from an A to T substitution at nucleotide position 5995. The isoleucine at codon 1999 is replaced by phenylalanine, an amino acid with highly similar properties. This amino acid position is conserved. In addition, the in silico prediction for this alteration is inconclusive. Since supporting evidence is limited at this time, the clinical significance of this alteration remains unclear.